The following is an entry in ClinVar:

NM_000883.4(IMPDH1):c.1475G>A (p.Arg492Gln)

Gene: IMPDH1 (inosine monophosphate dehydrogenase 1; minus strand). Cytogenetic location: 7q32.1.
Variant type: single nucleotide variant.
Coding change: c.1475G>A on transcript NM_000883.4 (MANE Select); coding-DNA position 1475, G replaced by A.
Protein change: p.Arg492Gln; replaces arginine 492 with glutamine.
Molecular consequence: missense variant.
Genome position (GRCh38, 1-based): chr7:128,394,964, C>T on the plus strand (G>A on the coding strand, the complement: IMPDH1 is on the minus strand). VCF-style: chr7-128394964-C-T. GRCh37 (hg19) VCF-style: chr7-128035018-C-T.
Other names: c.1445G>A, p.Arg482Gln (NM_001102605.2); c.1220G>A, p.Arg407Gln (NM_001142573.2); c.1205G>A, p.Arg402Gln (NM_001142574.2); c.1145G>A, p.Arg382Gln (NM_001142575.2); c.1376G>A, p.Arg459Gln (NM_001142576.2); c.1268G>A, p.Arg423Gln (NM_001304521.2); c.1367G>A, p.Arg456Gln (NM_183243.3); short protein forms R382Q, R423Q, R407Q, R492Q, R402Q, R456Q, R459Q, R482Q.
Identifiers: ClinVar variation 943417 (VCV000943417.9), dbSNP rs140785990, ClinGen allele CA4470821.

ClinVar aggregate classification (germline): Conflicting classifications of pathogenicity. Review status: criteria provided, conflicting classifications (1 of 4 stars). 3 submissions from 3 submitters: Uncertain significance (2); Likely benign (1). Last evaluated 2025-11-19.

Conditions:
Inborn genetic diseases. Identifiers: MedGen C0950123, MeSH D030342.

Allele frequency attached by ClinVar (database versions not stated): gnomAD 0.00008 and 0.00009; gnomAD exomes 0.00010 and 0.00019; TOPMed 0.00011; ExAC 0.00013; ESP Exome Variant Server 0.00031.
gnomAD v4.1: 283 of 1,613,810 alleles (0.018%); highest among the groups gnomAD compares: Non-Finnish European, 0.023%; no homozygotes.

Submissions (3):

Labcorp Genetics (formerly Invitae), Labcorp
Classification: Uncertain significance. Last evaluated: 2025-11-19. Review status: criteria provided, single submitter. Criteria: Invitae Variant Classification Sherloc (09022015). Collection method: clinical testing. Allele origin: germline.
Comment: This sequence change replaces arginine, which is basic and polar, with glutamine, which is neutral and polar, at codon 492 of the IMPDH1 protein (p.Arg492Gln). This variant is present in population databases (rs140785990, gnomAD 0.02%). This variant has not been reported in the literature in individuals affected with IMPDH1-related conditions. ClinVar contains an entry for this variant (Variation ID: 943417). An algorithm developed to predict the effect of missense changes on protein structure and function (PolyPhen-2) suggests that this variant is likely to be tolerated. In summary, the available evidence is currently insufficient to determine the role of this variant in disease. Therefore, it has been classified as a Variant of Uncertain Significance.

Blueprint Genetics
Classification: Likely benign. Last evaluated: 2023-10-02. Review status: criteria provided, single submitter. Criteria: ACMG Guidelines, 2015. Collection method: clinical testing. Allele origin: germline.

Ambry Genetics
Classification: Uncertain significance for Inborn genetic diseases. Last evaluated: 2021-12-03. Review status: criteria provided, single submitter. Criteria: Ambry Variant Classification Scheme 2023. Collection method: clinical testing. Allele origin: germline.